The following is an entry in ClinVar:

NM_176787.5(PIGN):c.1276C>A (p.His426Asn)

Gene: PIGN (phosphatidylinositol glycan anchor biosynthesis class N; minus strand). Cytogenetic location: 18q21.33.
Variant type: single nucleotide variant.
Coding change: c.1276C>A on transcript NM_176787.5 (MANE Select); coding-DNA position 1276, C replaced by A.
Protein change: p.His426Asn; replaces histidine 426 with asparagine.
Molecular consequence: missense variant.
Genome position (GRCh38, 1-based): chr18:62,113,292, G>T on the plus strand (C>A on the coding strand, the complement: PIGN is on the minus strand). VCF-style: chr18-62113292-G-T. GRCh37 (hg19) VCF-style: chr18-59780525-G-T.
Other names: c.1276C>A, p.His426Asn (NM_012327.6); short protein forms H426N.
Identifiers: ClinVar variation 961883 (VCV000961883.10), dbSNP rs550779204, ClinGen allele CA8982337.

ClinVar aggregate classification (germline): Uncertain significance. Review status: criteria provided, multiple submitters, no conflicts (2 of 4 stars). 2 submissions from 2 submitters: Uncertain significance (2). Last evaluated 2025-02-01.

Conditions:
Inborn genetic diseases. Identifiers: MedGen C0950123, MeSH D030342.
Multiple congenital anomalies-hypotonia-seizures syndrome 1 (MCAHS1). Also called: PIGN-CDG; Congenital disorder of glycosylation due to PIGN deficiency; GLYCOSYLPHOSPHATIDYLINOSITOL BIOSYNTHESIS DEFECT 3. Identifiers: Orphanet 280633, MedGen C3279775, MONDO:0013563, OMIM 614080.

Allele frequency attached by ClinVar (database versions not stated): gnomAD exomes below 0.00001 and 0.00001; ExAC 0.00002; TOPMed 0.00006; gnomAD 0.00007; 1000 Genomes Project 30x 0.00016; 1000 Genomes Project 0.00020.
gnomAD v4.1: 14 of 1,609,428 alleles (0.00087%); highest among the groups gnomAD compares: African/African-American, 0.019%; no homozygotes.

Submissions (2):

Ambry Genetics
Classification: Uncertain significance for Inborn genetic diseases. Last evaluated: 2025-02-01. Review status: criteria provided, single submitter. Criteria: Ambry Variant Classification Scheme 2023. Collection method: clinical testing. Allele origin: germline.

Labcorp Genetics (formerly Invitae), Labcorp
Classification: Uncertain significance for Multiple congenital anomalies-hypotonia-seizures syndrome 1. Last evaluated: 2024-03-04. Review status: criteria provided, single submitter. Criteria: Invitae Variant Classification Sherloc (09022015). Collection method: clinical testing. Allele origin: germline.
Comment: This sequence change replaces histidine, which is basic and polar, with asparagine, which is neutral and polar, at codon 426 of the PIGN protein (p.His426Asn). This variant is present in population databases (rs550779204, gnomAD 0.01%). This variant has not been reported in the literature in individuals affected with PIGN-related conditions. ClinVar contains an entry for this variant (Variation ID: 961883). Advanced modeling of protein sequence and biophysical properties (such as structural, functional, and spatial information, amino acid conservation, physicochemical variation, residue mobility, and thermodynamic stability) performed at Invitae indicates that this missense variant is not expected to disrupt PIGN protein function with a negative predictive value of 80%. In summary, the available evidence is currently insufficient to determine the role of this variant in disease. Therefore, it has been classified as a Variant of Uncertain Significance.